The following is an entry in ClinVar:

ClinVar aggregate classification (germline): Uncertain significance (1 of 4 stars; one submission).

Conditions:
Autosomal recessive severe congenital neutropenia due to CSF3R deficiency. Also called: Neutropenia, severe congenital, 7, autosomal recessive. Identifiers: Orphanet 420702, MedGen C4310764, MONDO:0014865, OMIM 617014.

Allele frequency attached by ClinVar (database versions not stated): gnomAD exomes below 0.00001; gnomAD 0.00001; TOPMed 0.00001.
gnomAD v4.1: 3 of 1,614,014 alleles (0.00019%); highest among the groups gnomAD compares: Non-Finnish European, 0.00025%; no homozygotes.

Submission:

Labcorp Genetics (formerly Invitae), Labcorp
Classification: Uncertain significance for Autosomal recessive severe congenital neutropenia due to CSF3R deficiency. Last evaluated: 2025-09-28. Review status: criteria provided, single submitter. Criteria: Invitae Variant Classification Sherloc (09022015). Collection method: clinical testing. Allele origin: germline.
Comment: This sequence change replaces proline, which is neutral and non-polar, with alanine, which is neutral and non-polar, at codon 442 of the CSF3R protein (p.Pro442Ala). This variant is present in population databases (no rsID available, gnomAD 0.002%). This variant has not been reported in the literature in individuals affected with CSF3R-related conditions. ClinVar contains an entry for this variant (Variation ID: 844398). An algorithm developed to predict the effect of missense changes on protein structure and function outputs the following: PolyPhen-2: "Benign". The alanine amino acid residue is found in multiple mammalian species, which suggests that this missense change does not adversely affect protein function. In summary, the available evidence is currently insufficient to determine the role of this variant in disease. Therefore, it has been classified as a Variant of Uncertain Significance.

NM_000760.4(CSF3R):c.1324C>G (p.Pro442Ala)

Gene: CSF3R (colony stimulating factor 3 receptor; minus strand). Cytogenetic location: 1p34.3.
Variant type: single nucleotide variant.
Coding change: c.1324C>G on transcript NM_000760.4 (MANE Select); coding-DNA position 1324, C replaced by G.
Protein change: p.Pro442Ala; replaces proline 442 with alanine.
Molecular consequence: missense variant.
Genome position (GRCh38, 1-based): chr1:36,469,802, G>C on the plus strand (C>G on the coding strand, the complement: CSF3R is on the minus strand). VCF-style: chr1-36469802-G-C. GRCh37 (hg19) VCF-style: chr1-36935403-G-C.
Other names: c.1324C>G, p.Pro442Ala (NM_156039.3, NM_172313.3); short protein forms P442A.
Identifiers: ClinVar variation 844398 (VCV000844398.9), dbSNP rs1260196968, ClinGen allele CA339420241.